The following is an entry in ClinVar:

ClinVar aggregate classification (germline): Uncertain significance (1 of 4 stars; one submission).

Allele frequency attached by ClinVar (database versions not stated): gnomAD exomes below 0.00001.
gnomAD v4.1: 1 of 1,614,038 alleles (0.000062%); highest among the groups gnomAD compares: South Asian, 0.0011%; no homozygotes.

Submission:

Labcorp Genetics (formerly Invitae), Labcorp
Classification: Uncertain significance. Last evaluated: 2022-01-19. Review status: criteria provided, single submitter. Criteria: Invitae Variant Classification Sherloc (09022015). Collection method: clinical testing. Allele origin: germline.
Comment: In summary, the available evidence is currently insufficient to determine the role of this variant in disease. Therefore, it has been classified as a Variant of Uncertain Significance. Advanced modeling of protein sequence and biophysical properties (such as structural, functional, and spatial information, amino acid conservation, physicochemical variation, residue mobility, and thermodynamic stability) performed at Invitae indicates that this missense variant is expected to disrupt FBXL4 protein function. This variant has not been reported in the literature in individuals affected with FBXL4-related conditions. This variant is present in population databases (no rsID available, gnomAD 0.003%). This sequence change replaces serine, which is neutral and polar, with phenylalanine, which is neutral and non-polar, at codon 336 of the FBXL4 protein (p.Ser336Phe).

NM_001278716.2(FBXL4):c.1007C>T (p.Ser336Phe)

Gene: FBXL4 (F-box and leucine rich repeat protein 4; minus strand). Cytogenetic location: 6q16.2.
Variant type: single nucleotide variant.
Coding change: c.1007C>T on transcript NM_001278716.2 (MANE Select); coding-DNA position 1007, C replaced by T.
Protein change: p.Ser336Phe; replaces serine 336 with phenylalanine.
Molecular consequence: missense variant. On other transcripts: non-coding transcript variant (2).
Genome position (GRCh38, 1-based): chr6:98,905,522, G>A on the plus strand (C>T on the coding strand, the complement: FBXL4 is on the minus strand). VCF-style: chr6-98905522-G-A. GRCh37 (hg19) VCF-style: chr6-99353398-G-A.
Other names: c.1007C>T, p.Ser336Phe (NM_012160.5); short protein forms S336F.
Identifiers: ClinVar variation 2088067 (VCV002088067.4), dbSNP rs1331125714, ClinGen allele CA365096051.
Genomic context (GRCh38, chr6:98,905,522, plus strand): 5'-CCAGTCCAAGATAAATTAAGCCACTGGACAAGAGTGCAGCGAGACTGTAGAAATTCCAGA[G>A]AAGTGTCATCTAGTTTTGCCCAGTATGGTTGCAGATTGAGGTGGATGTATTGCAGAGGAT-3'
Protein context (NP_001265645.1, residues 326-346): QPYWAKLDDT[Ser336Phe]LEFLQSRCTL